The following is an entry in ClinVar:

NM_001204.7(BMPR2):c.1513dup (p.Met505fs)

Gene: BMPR2 (bone morphogenetic protein receptor type 2; plus strand). Cytogenetic location: 2q33.2.
Variant type: Duplication.
Coding change: c.1513dup on transcript NM_001204.7 (MANE Select); coding-DNA position 1513, one base duplicated (A; older notation c.1513dupA).
Protein change: p.Met505fs; shifts the reading frame from methionine 505.
Molecular consequence: frameshift variant.
Genome position (GRCh38, 1-based): chr2:202,552,815, A duplicated. VCF-style (leftmost placement, unchanged base first): chr2-202552814-T-TA. GRCh37 (hg19) VCF-style: chr2-203417537-T-TA.
Other names: c.1513dupA (NM_001204.6); c.1513dup (LRG_712t1); short protein forms M505fs.
Identifiers: ClinVar variation 568737 (VCV000568737.10), dbSNP rs1559073178, ClinGen allele CA891843104.

ClinVar aggregate classification (germline): Pathogenic/Likely pathogenic. Review status: criteria provided, multiple submitters, no conflicts (2 of 4 stars). 2 submissions from 2 submitters: Pathogenic (1); Likely pathogenic (1). Last evaluated 2022-06-04.

Conditions:
BMPR2-related disorder. Also called: BMPR2-related disorders; BMPR2-related condition.
Primary pulmonary hypertension. Also called: Idiopathic pulmonary hypertension. Identifiers: MedGen C0152171.

Allele frequency attached by ClinVar (database versions not stated): gnomAD exomes below 0.00001.

Submissions (2):

Labcorp Genetics (formerly Invitae), Labcorp
Classification: Pathogenic for Primary pulmonary hypertension. Last evaluated: 2022-06-04. Review status: criteria provided, single submitter. Criteria: Invitae Variant Classification Sherloc (09022015). Collection method: clinical testing. Allele origin: germline.
Comment: This variant is not present in population databases (gnomAD no frequency). This sequence change creates a premature translational stop signal (p.Met505Asnfs*24) in the BMPR2 gene. It is expected to result in an absent or disrupted protein product. Loss-of-function variants in BMPR2 are known to be pathogenic (PMID: 16429395). This variant has not been reported in the literature in individuals affected with BMPR2-related conditions. For these reasons, this variant has been classified as Pathogenic. ClinVar contains an entry for this variant (Variation ID: 568737).

Blueprint Genetics
Classification: Likely pathogenic for BMPR2-related disorders. Last evaluated: 2020-02-12. Review status: criteria provided, single submitter. Criteria: ACMG Guidelines, 2015. Collection method: clinical testing. Allele origin: germline. Affected: yes. Observed: 1 variant allele.

Literature cited by the submitters: PubMed 16429395 (cited by Labcorp Genetics (formerly Invitae), Labcorp).